The following is an entry in ClinVar:

ClinVar aggregate classification (germline): Likely benign (0 of 4 stars; one submission).

Conditions:
RAD9B-related disorder. Also called: RAD9B-related condition.

Allele frequency attached by ClinVar (database versions not stated): 1000 Genomes Project 30x 0.00125; 1000 Genomes Project 0.00140; ExAC 0.00248; gnomAD 0.00272; TOPMed 0.00283; ESP Exome Variant Server 0.00301; gnomAD exomes 0.00372.
gnomAD v4.1: 5,825 of 1,605,552 alleles (0.36%); highest among the groups gnomAD compares: Non-Finnish European, 0.43%; 14 homozygotes.

Submission:

PreventionGenetics, part of Exact Sciences
Classification: Likely benign for RAD9B-related condition. Last evaluated: 2022-03-21. Review status: no assertion criteria provided. Collection method: clinical testing. Allele origin: germline.
Comment: This variant is classified as likely benign based on ACMG/AMP sequence variant interpretation guidelines (Richards et al. 2015 PMID: 25741868, with internal and published modifications).

NM_001286535.2(RAD9B):c.331A>C (p.Arg111=)

Gene: RAD9B (RAD9 checkpoint clamp component B; plus strand). Cytogenetic location: 12q24.11.
Variant type: single nucleotide variant.
Coding change: c.331A>C on transcript NM_001286535.2 (MANE Select); coding-DNA position 331, A replaced by C.
Protein change: p.Arg111=; no amino-acid change (arginine 111 retained).
Molecular consequence: synonymous variant. On other transcripts: 5 prime UTR variant (4), intron variant (1).
Genome position (GRCh38, 1-based): chr12:110,506,636, A>C. VCF-style: chr12-110506636-A-C. GRCh37 (hg19) VCF-style: chr12-110944441-A-C.
Other names: c.115A>C, p.Arg39= (NM_001286531.2, NM_001286532.2, NM_001368051.1 and 1 more transcripts); c.-300A>C (NM_001286533.2, NM_001286534.2); c.331A>C, p.Arg111= (NM_001286536.2, NM_001368052.1, NM_152442.4); c.-161A>C (NM_001368055.1, NM_001368056.1); c.-104+4253A>C (NM_001368054.1).
Identifiers: ClinVar variation 3033368 (VCV003033368.2), dbSNP rs201423075, ClinGen allele CA6785961.